The following is an entry in ClinVar:

ClinVar aggregate classification (germline): Uncertain significance. Review status: criteria provided, multiple submitters, no conflicts (2 of 4 stars). 2 submissions from 2 submitters: Uncertain significance (2). Last evaluated 2024-02-26.

Conditions:
Inborn genetic diseases. Identifiers: MedGen C0950123, MeSH D030342.

Allele frequency attached by ClinVar (database versions not stated): gnomAD exomes 0.00001; TOPMed 0.00002; ExAC 0.00003; 1000 Genomes Project 30x 0.00031; gnomAD 0.00006; 1000 Genomes Project 0.00020.
gnomAD v4.1: 31 of 1,609,494 alleles (0.0019%); highest among the groups gnomAD compares: Admixed American, 0.034%; no homozygotes.

Submissions (2):

Ambry Genetics
Classification: Uncertain significance for Inborn genetic diseases. Last evaluated: 2024-02-26. Review status: criteria provided, single submitter. Criteria: Ambry Variant Classification Scheme 2023. Collection method: clinical testing. Allele origin: germline.

Labcorp Genetics (formerly Invitae), Labcorp
Classification: Uncertain significance. Last evaluated: 2022-05-20. Review status: criteria provided, single submitter. Criteria: Invitae Variant Classification Sherloc (09022015). Collection method: clinical testing. Allele origin: germline.
Comment: This sequence change replaces asparagine, which is neutral and polar, with serine, which is neutral and polar, at codon 1220 of the FAT1 protein (p.Asn1220Ser). This variant is present in population databases (rs528719512, gnomAD 0.01%). This variant has not been reported in the literature in individuals affected with FAT1-related conditions. Algorithms developed to predict the effect of missense changes on protein structure and function are either unavailable or do not agree on the potential impact of this missense change (SIFT: "Deleterious"; PolyPhen-2: "Benign"; Align-GVGD: "Class C0"). In summary, the available evidence is currently insufficient to determine the role of this variant in disease. Therefore, it has been classified as a Variant of Uncertain Significance.

NM_005245.4(FAT1):c.3659A>G (p.Asn1220Ser)

Gene: FAT1 (FAT atypical cadherin 1; minus strand). Cytogenetic location: 4q35.2.
Variant type: single nucleotide variant.
Coding change: c.3659A>G on transcript NM_005245.4 (MANE Select); coding-DNA position 3659, A replaced by G.
Protein change: p.Asn1220Ser; replaces asparagine 1220 with serine.
Molecular consequence: missense variant.
Genome position (GRCh38, 1-based): chr4:186,636,898, T>C on the plus strand (A>G on the coding strand, the complement: FAT1 is on the minus strand). VCF-style: chr4-186636898-T-C. GRCh37 (hg19) VCF-style: chr4-187558052-T-C.
Other names: c.3659A>G (NM_005245.3); short protein forms N1220S.
Identifiers: ClinVar variation 2143554 (VCV002143554.2), dbSNP rs528719512, ClinGen allele CA3166936.